The following is an entry in ClinVar:

NM_181776.3(SLC36A2):c.1126C>T (p.Arg376Cys)

Gene: SLC36A2 (solute carrier family 36 member 2; minus strand). Cytogenetic location: 5q33.1.
Variant type: single nucleotide variant.
Coding change: c.1126C>T on transcript NM_181776.3 (MANE Select); coding-DNA position 1126, C replaced by T.
Protein change: p.Arg376Cys; replaces arginine 376 with cysteine.
Molecular consequence: missense variant.
Genome position (GRCh38, 1-based): chr5:151,322,100, G>A on the plus strand (C>T on the coding strand, the complement: SLC36A2 is on the minus strand). VCF-style: chr5-151322100-G-A. GRCh37 (hg19) VCF-style: chr5-150701661-G-A.
Other names: short protein forms R376C.
Identifiers: ClinVar variation 715954 (VCV000715954.11), dbSNP rs140044970, ClinGen allele CA3518630.

ClinVar aggregate classification (germline): Likely benign. Review status: criteria provided, single submitter (1 of 4 stars). 2 submissions from 2 submitters: Likely benign (1). 1 of the submissions does not count toward it. Last evaluated 2026-02-01.

Conditions:
SLC36A2-related disorder. Also called: SLC36A2-related condition.

Allele frequency attached by ClinVar (database versions not stated): TOPMed 0.00050; gnomAD 0.00057; 1000 Genomes Project 30x 0.00219; 1000 Genomes Project 0.00260.
gnomAD v4.1: 401 of 1,614,206 alleles (0.025%); highest among the groups gnomAD compares: East Asian, 0.82%; 1 homozygote.

Submissions (2):

Labcorp Genetics (formerly Invitae), Labcorp
Classification: Likely benign. Last evaluated: 2026-02-01. Review status: criteria provided, single submitter. Criteria: Invitae Variant Classification Sherloc (09022015). Collection method: clinical testing. Allele origin: germline.

PreventionGenetics, part of Exact Sciences
Classification: Benign for SLC36A2-related condition. Last evaluated: 2020-06-08. Review status: no assertion criteria provided. Collection method: clinical testing. Allele origin: germline. Not counted in ClinVar's aggregate classification.
Comment: This variant is classified as benign based on ACMG/AMP sequence variant interpretation guidelines (Richards et al. 2015 PMID: 25741868, with internal and published modifications).